The following is an entry in ClinVar:

ClinVar aggregate classification (germline): Uncertain significance (1 of 4 stars; one submission).

Conditions:
Autosomal recessive osteopetrosis 1. Also called: ALBERS-SCHONBERG DISEASE, AUTOSOMAL RECESSIVE; TCIRG1-Related Osteopetrosis; TCIRG1-Related Autosomal Recessive Osteopetrosis. Identifiers: Orphanet 667, MedGen C1850127, MONDO:0009815, OMIM 259700.

Submission:

Neuberg Centre For Genomic Medicine, NCGM
Classification: Uncertain significance for Autosomal recessive osteopetrosis 1. Review status: criteria provided, single submitter. Criteria: ACMG Guidelines, 2015. Collection method: clinical testing. Allele origin: germline. Inheritance: Autosomal recessive inheritance. Affected: yes.
Comment: The splice acceptor variant c.2415-2_2418delAGGGTGinsGGGTT in TCIRG1 (NM_006019.4) has not been reported previously as a pathogenic variant nor as a benign variant, to our knowledge. The c.2415-2_2418delAGGGTGinsGGGTT variant is novel (not in any individuals) in gnomAD Exomes and is novel (not in any individuals) in 1000 Genomes. This variant involeves an invariant splice nucelotide. However since it is present in the last exon, functional studies will be required to prove loss of function. For these reasons, this variant has been classified as Uncertain Significance.

NM_006019.4(TCIRG1):c.2415-2_2418delinsGGGTT

Gene: TCIRG1 (T cell immune regulator 1, ATPase H+ transporting V0 subunit a3; plus strand). Cytogenetic location: 11q13.2.
Variant type: Indel.
Coding change: c.2415-2_2418delinsGGGTT on transcript NM_006019.4 (MANE Select); the canonical splice acceptor site of the intron before coding-DNA position 2415 through coding-DNA position 2418, AGGGTG replaced by GGGTT.
Molecular consequence: splice acceptor variant.
Genome position (GRCh38, 1-based): chr11:68,050,739-68,050,744, AGGGTG replaced by GGGTT. VCF-style: chr11-68050739-AGGGTG-GGGTT. GRCh37 (hg19) VCF-style: chr11-67818206-AGGGTG-GGGTT.
Other names: c.1521-2_1524delinsGGGTT (NM_001351059.2); c.1767-2_1770delinsGGGTT (NM_006053.4).
Identifiers: ClinVar variation 2627405 (VCV002627405.1), dbSNP rs2495673123, ClinGen allele CA2582341885.